The following is an entry in ClinVar:

ClinVar aggregate classification (germline): Uncertain significance (1 of 4 stars; one submission).

Allele frequency attached by ClinVar (database versions not stated): gnomAD 0.00001.
gnomAD v4.1: 1 of 1,613,994 alleles (0.000062%); highest among the groups gnomAD compares: Admixed American, 0.0017%; no homozygotes.

Submission:

Labcorp Genetics (formerly Invitae), Labcorp
Classification: Uncertain significance. Last evaluated: 2023-10-03. Review status: criteria provided, single submitter. Criteria: Invitae Variant Classification Sherloc (09022015). Collection method: clinical testing. Allele origin: germline.
Comment: This sequence change replaces proline, which is neutral and non-polar, with leucine, which is neutral and non-polar, at codon 436 of the CYP4V2 protein (p.Pro436Leu). This variant is not present in population databases (gnomAD no frequency). This missense change has been observed in individual(s) with clinical features of retinitis pigmentosa (Invitae). ClinVar contains an entry for this variant (Variation ID: 937144). Advanced modeling of protein sequence and biophysical properties (such as structural, functional, and spatial information, amino acid conservation, physicochemical variation, residue mobility, and thermodynamic stability) performed at Invitae indicates that this missense variant is not expected to disrupt CYP4V2 protein function. In summary, the available evidence is currently insufficient to determine the role of this variant in disease. Therefore, it has been classified as a Variant of Uncertain Significance.

NM_207352.4(CYP4V2):c.1307C>T (p.Pro436Leu)

Gene: CYP4V2 (cytochrome P450 family 4 subfamily V member 2; plus strand). Cytogenetic location: 4q35.2.
Variant type: single nucleotide variant.
Coding change: c.1307C>T on transcript NM_207352.4 (MANE Select); coding-DNA position 1307, C replaced by T.
Protein change: p.Pro436Leu; replaces proline 436 with leucine.
Molecular consequence: missense variant.
Genome position (GRCh38, 1-based): chr4:186,209,174, C>T. VCF-style: chr4-186209174-C-T. GRCh37 (hg19) VCF-style: chr4-187130328-C-T.
Other names: short protein forms P436L.
Identifiers: ClinVar variation 937144 (VCV000937144.9), dbSNP rs1736630310, ClinGen allele CA358950514.